The following is an entry in ClinVar:

ClinVar aggregate classification (germline): Uncertain significance (1 of 4 stars; one submission).

gnomAD v4.1: 18 of 1,606,972 alleles (0.0011%); highest among the groups gnomAD compares: South Asian, 0.019%; no homozygotes.

Submission:

Labcorp Genetics (formerly Invitae), Labcorp
Classification: Uncertain significance. Last evaluated: 2024-12-18. Review status: criteria provided, single submitter. Criteria: Invitae Variant Classification Sherloc (09022015). Collection method: clinical testing. Allele origin: germline.
Comment: This sequence change replaces serine, which is neutral and polar, with asparagine, which is neutral and polar, at codon 331 of the GFM2 protein (p.Ser331Asn). This variant is present in population databases (rs752622674, gnomAD 0.02%). This variant has not been reported in the literature in individuals affected with GFM2-related conditions. Invitae Evidence Modeling of protein sequence and biophysical properties (such as structural, functional, and spatial information, amino acid conservation, physicochemical variation, residue mobility, and thermodynamic stability) indicates that this missense variant is expected to disrupt GFM2 protein function with a positive predictive value of 80%. In summary, the available evidence is currently insufficient to determine the role of this variant in disease. Therefore, it has been classified as a Variant of Uncertain Significance.

NM_032380.5(GFM2):c.992G>A (p.Ser331Asn)

Gene: GFM2 (GTP dependent ribosome recycling factor mitochondrial 2; minus strand). Cytogenetic location: 5q13.3.
Variant type: single nucleotide variant.
Coding change: c.992G>A on transcript NM_032380.5 (MANE Select); coding-DNA position 992, G replaced by A.
Protein change: p.Ser331Asn; replaces serine 331 with asparagine.
Molecular consequence: missense variant. On other transcripts: non-coding transcript variant (1).
Genome position (GRCh38, 1-based): chr5:74,740,076, C>T on the plus strand (G>A on the coding strand, the complement: GFM2 is on the minus strand). VCF-style: chr5-74740076-C-T. GRCh37 (hg19) VCF-style: chr5-74035901-C-T.
Other names: c.1088G>A, p.Ser363Asn (NM_001281302.2); c.992G>A, p.Ser331Asn (NM_170681.3, NM_170691.3); short protein forms S331N, S363N.
Identifiers: ClinVar variation 3699128 (VCV003699128.2).